The following is an entry in ClinVar:

ClinVar aggregate classification (germline): Uncertain significance (1 of 4 stars; one submission).

Conditions:
Mitochondrial DNA depletion syndrome 6 (hepatocerebral type). Also called: NAVAJO NEUROPATHY; Navajo neurohepatopathy; Mitochondrial DNA depletion syndrome type 6. Identifiers: Orphanet 255229, MedGen C1850406, MONDO:0009747, OMIM 256810.

Submission:

3billion
Classification: Uncertain significance for Mitochondrial DNA depletion syndrome 6 (hepatocerebral type). Last evaluated: 2022-03-22. Review status: criteria provided, single submitter. Criteria: ACMG Guidelines, 2015. Collection method: clinical testing. Allele origin: germline. Affected: yes. Observed: 1 homozygote.
Comment: Different pathogenic/likely pathogenic amino acid change has been reported with supporting evidence at the same codon (PMID:20074988). It is not observed in the gnomAD v2.1.1 dataset. In silico tool predictions suggest damaging effect of the variant on gene or gene product (REVEL: 0.676>=0.6, 3CNET: 0.919>=0.75). Therefore, this variant is classified as uncertain significance according to the recommendation of ACMG/AMP guideline.

Literature cited by the submitters: PubMed 20074988.

NM_002437.5(MPV17):c.281G>A (p.Gly94Glu)

Gene: MPV17 (mitochondrial inner membrane protein MPV17; minus strand). Cytogenetic location: 2p23.3.
Variant type: single nucleotide variant.
Coding change: c.281G>A on transcript NM_002437.5 (MANE Select); coding-DNA position 281, G replaced by A.
Protein change: p.Gly94Glu; replaces glycine 94 with glutamic acid.
Molecular consequence: missense variant.
Genome position (GRCh38, 1-based): chr2:27,312,588, C>T on the plus strand (G>A on the coding strand, the complement: MPV17 is on the minus strand). VCF-style: chr2-27312588-C-T. GRCh37 (hg19) VCF-style: chr2-27535455-C-T.
Other names: short protein forms G94E.
Identifiers: ClinVar variation 1526092 (VCV001526092.1), dbSNP rs2148215671, ClinGen allele CA346208361.